The following is an entry in ClinVar:

ClinVar aggregate classification (germline): Conflicting classifications of pathogenicity. Review status: criteria provided, conflicting classifications (1 of 4 stars). 15 submissions from 15 submitters: Uncertain significance (10); Benign (1); Likely benign (3). 1 of the submissions does not count toward it. Last evaluated 2026-08-13.

Conditions:
ATM-related disorder. Also called: ATM-related disorders; ATM-related condition.
Familial colorectal cancer type X. Identifiers: Orphanet 440437, MedGen C3896578, MONDO:0018604.
Hereditary cancer-predisposing syndrome. Also called: Tumor predisposition; Neoplastic Syndromes, Hereditary; Hereditary neoplastic syndrome; Hereditary Cancer Syndrome. Identifiers: Orphanet 140162, MedGen C0027672, MeSH D009386, MONDO:0015356.
Ataxia-telangiectasia syndrome (AT). Also called: Ataxia-telangiectasia, complementation group D; AT, COMPLEMENTATION GROUP C; Cerebello-oculocutaneous telangiectasia; Immunodeficiency with ataxia telangiectasia; ATAXIA-TELANGIECTASIA, COMPLEMENTATION GROUP A; ATAXIA-TELANGIECTASIA, FRESNO VARIANT. Identifiers: Orphanet 100, MedGen C0004135, MONDO:0008840, OMIM 208900.
Familial cancer of breast. Also called: BREAST CANCER, FAMILIAL; Hereditary breast cancer; hereditary breast carcinoma. Identifiers: Orphanet 227535, MedGen C0346153, MONDO:0016419, OMIM 114480. Disease mechanism: loss of function.

Allele frequency attached by ClinVar (database versions not stated): TOPMed 0.00003; gnomAD 0.00009; ESP Exome Variant Server 0.00015; 1000 Genomes Project 0.00020; 1000 Genomes Project 30x 0.00031.
gnomAD v4.1: 87 of 1,613,444 alleles (0.0054%); highest among the groups gnomAD compares: African/African-American, 0.0093%; no homozygotes.

Submissions (15):

PreventionGenetics, part of Exact Sciences
Classification: Likely benign for ATM-related condition. Last evaluated: 2026-08-13. Review status: criteria provided, single submitter. Criteria: ACMG Guidelines, 2015. Collection method: clinical testing. Allele origin: germline.
Comment: This variant is classified as likely benign based on ACMG/AMP sequence variant interpretation guidelines (Richards et al. 2015 PMID: 25741868, with internal and published modifications).

Women's Health and Genetics/Laboratory Corporation of America, LabCorp
Classification: Uncertain significance. Last evaluated: 2026-03-02. Review status: criteria provided, single submitter. Criteria: LabCorp Variant Classification Summary - May 2015. Collection method: clinical testing. Allele origin: germline.
Comment: Variant summary: ATM c.133C>T (p.Arg45Trp) results in a non-conservative amino acid change in the encoded protein sequence. Algorithms developed to predict the effect of missense changes on protein structure and function are either unavailable or do not agree on the potential impact of this missense change. The variant allele was found at a frequency of 2.8e-05 in 251182 control chromosomes. The available data on variant occurrences in the general population are insufficient to allow any conclusion about variant significance. c.133C>T has been observed in individuals affected with breast cancer (example, Allinen_2002, Tung_2015, Chrysafi_2023, Abdel-Razeq_2022). It has also been reported as a rare germline variant in the TGCA (The Cancer Genome Atlas) cohort (Lu_2015) and in control individuals (example, Tavtigian_2009, Dorling_2021). These reports do not provide unequivocal conclusions about association of the variant with Breast Cancer. To our knowledge, no experimental evidence demonstrating an impact on protein function has been reported. ClinVar contains an entry for this variant (Variation ID: 140832). Based on the evidence outlined above, the variant was classified as uncertain significance.

St. Jude Molecular Pathology, St. Jude Children's Research Hospital
Classification: Uncertain significance for Ataxia-telangiectasia syndrome. Last evaluated: 2026-02-11. Review status: criteria provided, single submitter. Criteria: St. Jude Assertion Criteria 2020. Collection method: clinical testing. Allele origin: germline.
Comment: The ATM c.133C>T p.(Arg45Trp) missense change has a maximum subpopulation frequency of 0.019% in gnomAD v2.1.1. The in silico tool REVEL predicts a benign effect on protein function, but to our knowledge this prediction has not been confirmed by functional studies. This variant has been reported in individuals with breast cancer as well as control individuals (PMID: 35402282, 11897822, 25186627, 28779002, 19781682, 33471991), and individuals undergoing genetic assessment for hereditary breast and ovarian cancer and/or Lynch syndrome (PMID: 38136308). To our knowledge, this variant has not been reported in individuals with ataxia telangiectasia. In summary, the evidence currently available is insufficient to determine the clinical significance of this variant. It has therefore been classified as of uncertain significance.

Labcorp Genetics (formerly Invitae), Labcorp
Classification: Benign for Ataxia-telangiectasia syndrome. Last evaluated: 2026-01-27. Review status: criteria provided, single submitter. Criteria: Invitae Variant Classification Sherloc (09022015). Collection method: clinical testing. Allele origin: germline.

ARUP Laboratories, Molecular Genetics and Genomics, ARUP Laboratories
Classification: Uncertain significance. Last evaluated: 2025-03-07. Review status: criteria provided, single submitter. Criteria: ARUP Molecular Germline Variant Investigation Process 2024. Collection method: clinical testing. Allele origin: germline.
Comment: The ATM c.133C>T; p.Arg45Trp variant (rs3218684, ClinVar Variation ID: 140832) is reported in the literature in individuals affected with various cancers, but without clear disease association (Dalmasso 2021, Decker 2018, Lu 2015, Tung 2015, Yehia 2018). This variant is also reported in controls (Decker 2018, Tavtigian 2009) and is found in the general population with an overall allele frequency of 0.003% (7/251,182 alleles) in the Genome Aggregation Database (v2.1.1). Computational analyses predict that this variant is neutral (REVEL 0.095). Due to limited information, the clinical significance of this variant is uncertain at this time. References: Dalmasso B et al. Germline ATM variants predispose to melanoma: a joint analysis across the GenoMEL and MelaNostrum consortia. Genet Med. 2021 Nov;23(11):2087-2095. PMID: 34262154. Decker B et al. Rare, protein-truncating variants in ATM, CHEK2 and PALB2, but not XRCC2, are associated with increased breast cancer risks. J Med Genet. 2017 Nov;54(11):732-741. PMID: 28779002. Lu C et al. Patterns and functional implications of rare germline variants across 12 cancer types. Nat Commun. 2015 Dec 22;6:10086. PMID: 26689913. Tavtigian SV et al. Rare, evolutionarily unlikely missense substitutions in ATM confer increased risk of breast cancer. Am J Hum Genet. 2009 Oct;85(4):427-46. PMID: 19781682. Tung N et al. Frequency of mutations in individuals with breast cancer referred for BRCA1 and BRCA2 testing using next-generation sequencing with a 25-gene panel. Cancer. 2015 Jan 1;121(1):25-33. PMID: 25186627. Yehia L et al. Unexpected cancer-predisposition gene variants in Cowden syndrome and Bannayan-Riley-Ruvalcaba syndrome patients without underlying germline PTEN mutations. PLoS Genet. 2018 Apr 23;14(4):e1007352. PMID: 29684080.

Color Diagnostics, LLC DBA Color Health
Classification: Uncertain significance for Hereditary cancer-predisposing syndrome. Last evaluated: 2025-01-13. Review status: criteria provided, single submitter. Criteria: ACMG Guidelines, 2015. Collection method: clinical testing. Allele origin: germline.
Comment: This missense variant replaces arginine with tryptophan at codon 45 of the ATM protein. Computational prediction suggests that this variant may not impact protein structure and function. To our knowledge, functional studies have not been reported for this variant. This variant has been reported in individuals affected breast cancer (PMID: 11897822, 25186627, 28779002, 33471991) but also in unaffected control individuals (PMID: 19781682, 28779002, 33471991). This variant has been identified in 7/251182 chromosomes in the general population by the Genome Aggregation Database (gnomAD). The available evidence is insufficient to determine the role of this variant in disease conclusively. Therefore, this variant is classified as a Variant of Uncertain Significance.

Ambry Genetics
Classification: Likely benign for Hereditary cancer-predisposing syndrome. Last evaluated: 2024-11-29. Review status: criteria provided, single submitter. Criteria: Ambry Variant Classification Scheme 2023. Collection method: clinical testing. Allele origin: germline.

GeneDx
Classification: Uncertain significance. Last evaluated: 2024-02-28. Review status: criteria provided, single submitter. Criteria: GeneDx Variant Classification Process June 2021. Collection method: clinical testing. Allele origin: germline. Affected: yes.
Comment: In silico analysis supports that this missense variant has a deleterious effect on protein structure/function; Observed in individuals with a personal history of breast or kidney cancer, as well as in unaffected controls (PMID: 35402282, 11897822, 25186627, 19781682, 28652578, 29684080, 26689913, 28779002, 33471991); This variant is associated with the following publications: (PMID: 19781682, 35402282, 11897822, 26689913, 28652578, 29684080, 28779002, 25186627, 33471991, 34262154, 38136308)

Baylor Genetics
Classification: Uncertain significance for Familial cancer of breast. Last evaluated: 2023-12-03. Review status: criteria provided, single submitter. Criteria: ACMG Guidelines, 2015. Collection method: clinical testing. Allele origin: unknown.

Blueprint Genetics
Classification: Uncertain significance. Last evaluated: 2023-07-25. Review status: criteria provided, single submitter. Criteria: ACMG Guidelines, 2015. Collection method: clinical testing. Allele origin: germline.

Myriad Genetics, Inc.
Classification: Likely benign for Familial cancer of breast. Last evaluated: 2023-05-05. Review status: criteria provided, single submitter. Criteria: Myriad Autosomal Dominant, Autosomal Recessive and X-Linked Classification Criteria (2023). Collection method: clinical testing. Allele origin: unknown.
Comment: This variant is considered likely benign. This variant is strongly associated with less severe personal and family histories of cancer, typical for individuals without pathogenic variants in this gene [PMID: 25085752].

Fulgent Genetics
Classification: Uncertain significance for Familial cancer of breast; Ataxia-telangiectasia syndrome. Last evaluated: 2022-02-15. Review status: criteria provided, single submitter. Criteria: ACMG Guidelines, 2015. Collection method: clinical testing. Allele origin: unknown.

Department of Pathology and Laboratory Medicine, Sinai Health System
Classification: Uncertain significance for Familial colorectal cancer type X. Last evaluated: 2022-01-05. Review status: criteria provided, single submitter. Criteria: ACMG Guidelines, 2015. Collection method: clinical testing. Allele origin: germline. Affected: yes.

Sema4
Classification: Uncertain significance for Hereditary cancer-predisposing syndrome. Last evaluated: 2021-12-01. Review status: criteria provided, single submitter. Criteria: Sema4 Curation Guidelines. Collection method: curation. Allele origin: germline.
Comment: The ATM c.133C>T (p.R45W) variant has been reported in individuals with breast cancer and kidney cancer (PMID: 25186627, 11897822, 26689913, 29684080). Additionally, a large case-control study identified the variant in 7/60466 breast cancer cases and in 6/53461 controls (PMID: 33471991). It was observed in 3/16206 chromosomes of the African/African American subpopulation in the large and broad cohorts of the Genome Aggregation Database (PMID: 32461654). The variant has been reported in ClinVar (Variation ID 140832). In silico tools suggest the impact of the variant on protein function is benign though these predictions have not been confirmed by functional studies. The evidence is insufficient to meet ACMG/AMP criteria for classifying the variant as benign or pathogenic. Thus, the clinical significance of this variant is currently uncertain.

Natera, Inc.
Classification: Uncertain significance for Ataxia-telangiectasia. Last evaluated: 2020-09-16. Review status: no assertion criteria provided. Collection method: clinical testing. Allele origin: germline. Not counted in ClinVar's aggregate classification.

Literature cited by the submitters: PubMed 19781682 (cited by 4 submitters); PubMed 25186627 (cited by 5 submitters); PubMed 26689913 (cited by 4 submitters); PubMed 11897822 (cited by 4 submitters); PubMed 35402282 (cited by Women's Health and Genetics/Laboratory Corporation of America, LabCorp); PubMed 38136308 (cited by Women's Health and Genetics/Laboratory Corporation of America, LabCorp); PubMed 28779002 (cited by Color Diagnostics, LLC DBA Color Health); PubMed 33471991 (cited by 3 submitters); PubMed 25085752 (cited by Myriad Genetics, Inc.); PubMed 29684080 (cited by Sema4).

NM_000051.4(ATM):c.133C>T (p.Arg45Trp)

Gene: ATM (ATM serine/threonine kinase; plus strand). Cytogenetic location: 11q22.3.
Variant type: single nucleotide variant.
Coding change: c.133C>T on transcript NM_000051.4 (MANE Select); coding-DNA position 133, C replaced by T.
Protein change: p.Arg45Trp; replaces arginine 45 with tryptophan.
Molecular consequence: missense variant.
Genome position (GRCh38, 1-based): chr11:108,227,836, C>T. VCF-style: chr11-108227836-C-T. GRCh37 (hg19) VCF-style: chr11-108098563-C-T.
Other names: c.133C>T, p.Arg45Trp (NM_001351834.2, NM_001351835.2, NM_001351836.2); short protein forms R45W.
Identifiers: ClinVar variation 140832 (VCV000140832.40), dbSNP rs3218684, ClinGen allele CA163682.